The following is an entry in ClinVar:

NM_001111.5(ADAR):c.1634A>G (p.Glu545Gly)

Gene: ADAR (adenosine deaminase RNA specific; minus strand). Cytogenetic location: 1q21.3.
Variant type: single nucleotide variant.
Coding change: c.1634A>G on transcript NM_001111.5 (MANE Select); coding-DNA position 1634, A replaced by G.
Protein change: p.Glu545Gly; replaces glutamic acid 545 with glycine.
Molecular consequence: missense variant.
Genome position (GRCh38, 1-based): chr1:154,598,553, T>C on the plus strand (A>G on the coding strand, the complement: ADAR is on the minus strand). VCF-style: chr1-154598553-T-C. GRCh37 (hg19) VCF-style: chr1-154571029-T-C.
Other names: c.749A>G, p.Glu250Gly (NM_001025107.3, NM_001193495.2, NM_001365046.1 and 3 more transcripts); c.1661A>G, p.Glu554Gly (NM_001365045.1); c.1634A>G, p.Glu545Gly (NM_015840.4, NM_015841.4); short protein forms E250G, E554G, E545G.
Identifiers: ClinVar variation 2935974 (VCV002935974.3), dbSNP rs1169582136, ClinGen allele CA342639680.

ClinVar aggregate classification (germline): Uncertain significance (1 of 4 stars; one submission).

Conditions:
Symmetrical dyschromatosis of extremities (DSH). Also called: RETICULATE ACROPIGMENTATION OF DOHI; SYMMETRIC DYSCHROMATOSIS OF THE EXTREMITIES; DYSCHROMATOSIS SYMMETRICA HEREDITARIA 1; Dyschromatosis symmetrica hereditaria. Identifiers: Orphanet 41, MedGen C0406775, MONDO:0007483, OMIM 127400.
Aicardi-Goutieres syndrome 6 (AGS6). Identifiers: Orphanet 51, MedGen C3539013, MONDO:0014007, OMIM 615010.

Allele frequency attached by ClinVar (database versions not stated): gnomAD exomes below 0.00001; TOPMed below 0.00001.
gnomAD v4.1: 1 of 1,614,220 alleles (0.000062%); highest among the groups gnomAD compares: Admixed American, 0.0017%; no homozygotes.

Submission:

Labcorp Genetics (formerly Invitae), Labcorp
Classification: Uncertain significance for Aicardi-Goutieres syndrome 6; Symmetrical dyschromatosis of extremities. Last evaluated: 2025-03-15. Review status: criteria provided, single submitter. Criteria: Invitae Variant Classification Sherloc (09022015). Collection method: clinical testing. Allele origin: germline.
Comment: This sequence change replaces glutamic acid, which is acidic and polar, with glycine, which is neutral and non-polar, at codon 545 of the ADAR protein (p.Glu545Gly). This variant is present in population databases (no rsID available, gnomAD 0.003%). This variant has not been reported in the literature in individuals affected with ADAR-related conditions. ClinVar contains an entry for this variant (Variation ID: 2935974). Invitae Evidence Modeling of protein sequence and biophysical properties (such as structural, functional, and spatial information, amino acid conservation, physicochemical variation, residue mobility, and thermodynamic stability) indicates that this missense variant is not expected to disrupt ADAR protein function with a negative predictive value of 80%. In summary, the available evidence is currently insufficient to determine the role of this variant in disease. Therefore, it has been classified as a Variant of Uncertain Significance.